The following is an entry in ClinVar:

NM_001365276.2(TNXB):c.2704G>A (p.Val902Ile)

Gene: TNXB (tenascin XB; minus strand). Cytogenetic location: 6p21.33.
Variant type: single nucleotide variant.
Coding change: c.2704G>A on transcript NM_001365276.2 (MANE Select); coding-DNA position 2704, G replaced by A.
Protein change: p.Val902Ile; replaces valine 902 with isoleucine.
Molecular consequence: missense variant.
Genome position (GRCh38, 1-based): chr6:32,088,860, C>T on the plus strand (G>A on the coding strand, the complement: TNXB is on the minus strand). VCF-style: chr6-32088860-C-T. GRCh37 (hg19) VCF-style: chr6-32056637-C-T.
Other names: c.2704G>A, p.Val902Ile (NM_019105.8); short protein forms V902I.
Identifiers: ClinVar variation 1794964 (VCV001794964.5), dbSNP rs372869340, ClinGen allele CA3735429.

ClinVar aggregate classification (germline): Conflicting classifications of pathogenicity. Review status: criteria provided, conflicting classifications (1 of 4 stars). 3 submissions from 3 submitters: Uncertain significance (2); Likely benign (1). Last evaluated 2026-05-24.

Conditions:
Cardiovascular phenotype. Identifiers: MedGen CN230736.
TNXB-related disorder. Also called: TNXB-related condition.

Allele frequency attached by ClinVar (database versions not stated): gnomAD exomes 0.00003; ExAC 0.00005; gnomAD 0.00005; ESP Exome Variant Server 0.00008; TOPMed 0.00009.
gnomAD v4.1: 46 of 1,583,462 alleles (0.0029%); highest among the groups gnomAD compares: Admixed American, 0.02%; no homozygotes.

Submissions (3):

PreventionGenetics, part of Exact Sciences
Classification: Uncertain significance for TNXB-related condition. Last evaluated: 2026-05-24. Review status: criteria provided, single submitter. Criteria: ACMG Guidelines, 2015. Collection method: clinical testing. Allele origin: germline.
Comment: The TNXB c.2704G>A variant is predicted to result in the amino acid substitution p.Val902Ile. To our knowledge, this variant has not been reported in the literature. This variant is reported in 0.010% of alleles in individuals of Latino descent in gnomAD. At this time, the clinical significance of this variant is uncertain due to the absence of conclusive functional and genetic evidence.

Women's Health and Genetics/Laboratory Corporation of America, LabCorp
Classification: Uncertain significance. Last evaluated: 2026-04-27. Review status: criteria provided, single submitter. Criteria: LabCorp Variant Classification Summary - May 2015. Collection method: clinical testing. Allele origin: germline.
Comment: Variant summary: TNXB c.2704G>A (p.Val902Ile) results in a conservative amino acid change located in the Fibronectin type III repeat domain (IPR003961) of the encoded protein sequence. Algorithms developed to predict the effect of missense changes on protein structure and function all suggest that this variant is likely to be tolerated. The variant allele was found at a frequency of 4e-05 in 201270 control chromosomes. The available data on variant occurrences in the general population are insufficient to allow any conclusion about variant significance. To our knowledge, no occurrence of c.2704G>A in individuals affected with TNXB-related conditions and no experimental evidence demonstrating its impact on protein function have been reported. ClinVar contains an entry for this variant (Variation ID: 1794964). Based on the evidence outlined above, the variant was classified as uncertain significance.

Ambry Genetics
Classification: Likely benign for Cardiovascular phenotype. Last evaluated: 2025-03-28. Review status: criteria provided, single submitter. Criteria: Ambry Variant Classification Scheme 2023. Collection method: clinical testing. Allele origin: germline.